The following is an entry in ClinVar:

NM_178040.4(ERC1):c.2207G>A (p.Arg736Gln)

Gene: ERC1 (ELKS/RAB6-interacting/CAST family member 1; plus strand). Cytogenetic location: 12p13.33.
Variant type: single nucleotide variant.
Coding change: c.2207G>A on transcript NM_178040.4 (MANE Select); coding-DNA position 2207, G replaced by A.
Protein change: p.Arg736Gln; replaces arginine 736 with glutamine.
Molecular consequence: missense variant. On other transcripts: non-coding transcript variant (3).
Genome position (GRCh38, 1-based): chr12:1,189,908, G>A. VCF-style: chr12-1189908-G-A. GRCh37 (hg19) VCF-style: chr12-1299074-G-A.
Other names: c.2207G>A, p.Arg736Gln (NM_001301248.1); c.2123G>A, p.Arg708Gln (NM_015064.2, NM_178037.1, NM_178039.4); c.2207G>A (NM_178040.2); short protein forms R708Q, R736Q.
Identifiers: ClinVar variation 3045575 (VCV003045575.3), dbSNP rs140918161, ClinGen allele CA6384675.

ClinVar aggregate classification (germline): Uncertain significance. Review status: criteria provided, single submitter (1 of 4 stars). 2 submissions from 2 submitters: Uncertain significance (1). 1 of the submissions does not count toward it. Last evaluated 2025-08-14.

Conditions:
ERC1-related disorder. Also called: ERC1-related condition.

Allele frequency attached by ClinVar (database versions not stated): gnomAD exomes 0.00022; ExAC 0.00058; 1000 Genomes Project 30x 0.00172; 1000 Genomes Project 0.00180; ESP Exome Variant Server 0.00185; gnomAD 0.00186; TOPMed 0.00230.
gnomAD v4.1: 612 of 1,613,942 alleles (0.038%); highest among the groups gnomAD compares: African/African-American, 0.66%; 4 homozygotes.

Submissions (2):

Ambry Genetics
Classification: Uncertain significance. Last evaluated: 2025-08-14. Review status: criteria provided, single submitter. Criteria: Ambry Variant Classification Scheme 2023. Collection method: clinical testing. Allele origin: germline.

PreventionGenetics, part of Exact Sciences
Classification: Likely benign for ERC1-related condition. Last evaluated: 2020-02-07. Review status: no assertion criteria provided. Collection method: clinical testing. Allele origin: germline. Not counted in ClinVar's aggregate classification.
Comment: This variant is classified as likely benign based on ACMG/AMP sequence variant interpretation guidelines (Richards et al. 2015 PMID: 25741868, with internal and published modifications).